The following is an entry in ClinVar:

ClinVar aggregate classification (germline): Uncertain significance (1 of 4 stars; one submission).

Submission:

GeneDx
Classification: Uncertain significance. Last evaluated: 2020-12-15. Review status: criteria provided, single submitter. Criteria: GeneDx Variant Classification Process June 2021. Collection method: clinical testing. Allele origin: germline. Affected: yes.
Comment: Not observed in large population cohorts (Lek et al., 2016); In silico analysis supports that this missense variant has a deleterious effect on protein structure/function; Has not been previously published as pathogenic or benign to our knowledge; De novo with confirmed parentage

NM_001330078.2(NRXN1):c.2510G>T (p.Gly837Val)

Gene: NRXN1 (neurexin 1; minus strand). Cytogenetic location: 2p16.3.
Variant type: single nucleotide variant.
Coding change: c.2510G>T on transcript NM_001330078.2 (MANE Select); coding-DNA position 2510, G replaced by T.
Protein change: p.Gly837Val; replaces glycine 837 with valine.
Molecular consequence: missense variant.
Genome position (GRCh38, 1-based): chr2:50,497,702, C>A on the plus strand (G>T on the coding strand, the complement: NRXN1 is on the minus strand). VCF-style: chr2-50497702-C-A. GRCh37 (hg19) VCF-style: chr2-50724840-C-A.
Other names: c.2507G>T, p.Gly836Val (NM_001330093.2); c.2498G>T, p.Gly833Val (NM_001330094.2); c.2630G>T, p.Gly877Val (NM_001135659.3); c.2486G>T, p.Gly829Val (NM_001330077.2, NM_001330082.2); c.2444G>T, p.Gly815Val (NM_001330083.2, NM_001330084.2); c.2459G>T, p.Gly820Val (NM_001330095.2); c.2483G>T, p.Gly828Val (NM_001330085.2); c.2510G>T, p.Gly837Val (NM_001330086.2, NM_004801.6); and 2 more; short protein forms G800V, G810V, G815V, G820V, G828V, G829V, G833V, G836V.
Identifiers: ClinVar variation 1186095 (VCV001186095.2), dbSNP rs2104921136, ClinGen allele CA346777475.
Genomic context (GRCh38, chr2:50,497,702, plus strand): 5'-TACCGTCGTTCTGTGATGATGCCAGTCTCTATGTTATGGAACTCCAGCCTAGTATGATCA[C>A]CTGCCATTTGACCTAAAAGAGAAGATAATATATGATTATTTTCTGTATCTGAAAGGCACT-3'
Protein context (NP_001317007.1, residues 827-847): DQQAMTGQMA[Gly837Val]DHTRLEFHNI